The following is an entry in ClinVar:

ClinVar aggregate classification (germline): Conflicting classifications of pathogenicity. Review status: criteria provided, conflicting classifications (1 of 4 stars). 6 submissions from 6 submitters: Uncertain significance (3); Likely benign (3). Last evaluated 2026-05-25.

Conditions:
TTN-related disorder. Also called: TTN-related condition; TTN-related disease; TTN-related disorders.

Allele frequency attached by ClinVar (database versions not stated): gnomAD 0.00004; TOPMed 0.00004; gnomAD exomes 0.00010 and 0.00014; ExAC 0.00020.
gnomAD v4.1: 163 of 1,612,832 alleles (0.01%); highest among the groups gnomAD compares: East Asian, 0.34%; 1 homozygote.

Submissions (6):

PreventionGenetics, part of Exact Sciences
Classification: Likely benign for TTN-related condition. Last evaluated: 2026-05-25. Review status: criteria provided, single submitter. Criteria: ACMG Guidelines, 2015. Collection method: clinical testing. Allele origin: germline.
Comment: This variant is classified as likely benign based on ACMG/AMP sequence variant interpretation guidelines (Richards et al. 2015 PMID: 25741868, with internal and published modifications).

Blueprint Genetics
Classification: Likely benign. Last evaluated: 2024-06-19. Review status: criteria provided, single submitter. Criteria: ACMG Guidelines, 2015. Collection method: clinical testing. Allele origin: germline.

Eurofins Ntd Llc (ga)
Classification: Uncertain significance. Last evaluated: 2017-02-23. Review status: criteria provided, single submitter. Criteria: EGL Classification Definitions 2015. Collection method: clinical testing. Allele origin: germline. Observed: 1 variant allele, 1 heterozygote.

Laboratory for Molecular Medicine, Mass General Brigham Personalized Medicine
Classification: Likely benign. Last evaluated: 2015-02-16. Review status: criteria provided, single submitter. Criteria: LMM Criteria. Collection method: clinical testing. Allele origin: germline. Observed: 1 variant allele.
Comment: p.Asn4842Lys variant in exon 45A of TTN: This variant is not expected to have cl inical significance because it has been identified in 0.3% (24/8532) of East Asi an chromosomes by the Exome Aggregation Consortium (ExAC).

GeneDx
Classification: Uncertain significance. Last evaluated: 2014-04-15. Review status: criteria provided, single submitter. Criteria: GeneDx Variant Classification (06012015). Collection method: clinical testing. Allele origin: germline. Affected: yes.
Comment: Missense variants in the TTN gene are considered 'unclassified' if they are not previously reported in the literature and do not have >1% frequency in the population to be considered a polymorphism. Research indicates that truncating mutations in the TTN gene are expected to account for approximately 25% of familial and 18% of sporadic idiopathic DCM; however, truncating variants in the TTN gene have been reported in approximately 3% of reported control alleles. There has been little investigation into non-truncating variants. (Herman D et al. Truncations of titin causing dilated cardiomyopathy. N Eng J Med 366:619-628, 2012) The variant is found in CARDIOMYOPATHY panel(s).

Biesecker Lab/Clinical Genomics Section, National Institutes of Health
Classification: Uncertain significance. Last evaluated: 2013-06-24. Review status: criteria provided, single submitter. Criteria: Ng et al. (Circ Cardiovasc Genet. 2013). Collection method: research. Allele origin: unknown. Observed: 1 variant allele. Study: ClinSeq.
Comment: The study set was not selected for affection status in relation to any cancer. Pathogenicity categories were based on literature curation. See Pubmed ID:23861362 for details.

Medical sequencing

NM_133379.5(TTN):c.14526T>A (p.Asn4842Lys)

Genes: TTN (titin; minus strand), LOC126806432 (CDK7 strongly-dependent group 2 enhancer GRCh37_chr2:179611985-179613184; plus strand). Cytogenetic location: 2q31.2.
Variant type: single nucleotide variant.
Coding change: c.14526T>A on transcript NM_133379.5; coding-DNA position 14526, T replaced by A.
Protein change: p.Asn4842Lys; replaces asparagine 4842 with lysine.
Molecular consequence: missense variant. On other transcripts: intron variant (6).
Genome position (GRCh38, 1-based): chr2:178,747,874, A>T on the plus strand (T>A on the coding strand, the complement: TTN is on the minus strand). VCF-style: chr2-178747874-A-T. GRCh37 (hg19) VCF-style: chr2-179612601-A-T.
Other names: p.N4842K:AAT>AAA; c.10360+5250T>A (NM_133378.4, NM_001256850.1); c.14526T>A (NM_133379.4); c.10222+5250T>A (NM_003319.4); c.10798+5250T>A (NM_133437.4); c.10597+5250T>A (NM_133432.3); c.11311+5250T>A (NM_001267550.2); short protein forms N4842K.
Identifiers: ClinVar variation 192050 (VCV000192050.13), dbSNP rs776361113, ClinGen allele CA302525.